The following is an entry in ClinVar:

ClinVar aggregate classification (germline): Uncertain significance. Review status: criteria provided, multiple submitters, no conflicts (2 of 4 stars). 3 submissions from 3 submitters: Uncertain significance (2). 1 of the submissions does not count toward it. Last evaluated 2025-01-06.

Conditions:
Glycogen storage disease, type II (IOPD). Also called: Glucosidase acid-1,4-alpha deficiency; CARDIOMEGALIA GLYCOGENICA DIFFUSA; GLYCOGENOSIS, GENERALIZED, CARDIAC FORM; GSD II; ACID MALTASE DEFICIENCY, INFANTILE-ONSET; POMPE DISEASE, INFANTILE-ONSET. Identifiers: Orphanet 365, MedGen C0017921, MONDO:0009290, OMIM 232300.

Allele frequency attached by ClinVar (database versions not stated): gnomAD exomes below 0.00001 and 0.00001; gnomAD 0.00001; TOPMed 0.00002.
gnomAD v4.1: 6 of 1,595,818 alleles (0.00038%); highest among the groups gnomAD compares: African/African-American, 0.0053%; no homozygotes.

Submissions (3):

Labcorp Genetics (formerly Invitae), Labcorp
Classification: Uncertain significance for Glycogen storage disease, type II. Last evaluated: 2025-01-06. Review status: criteria provided, single submitter. Criteria: Invitae Variant Classification Sherloc (09022015). Collection method: clinical testing. Allele origin: germline.
Comment: This sequence change replaces glycine, which is neutral and non-polar, with aspartic acid, which is acidic and polar, at codon 228 of the GAA protein (p.Gly228Asp). The frequency data for this variant in the population databases is considered unreliable, as metrics indicate poor data quality at this position in the gnomAD database. This variant has not been reported in the literature in individuals affected with GAA-related conditions. ClinVar contains an entry for this variant (Variation ID: 1055449). Invitae Evidence Modeling of protein sequence and biophysical properties (such as structural, functional, and spatial information, amino acid conservation, physicochemical variation, residue mobility, and thermodynamic stability) indicates that this missense variant is expected to disrupt GAA protein function with a positive predictive value of 95%. In summary, the available evidence is currently insufficient to determine the role of this variant in disease. Therefore, it has been classified as a Variant of Uncertain Significance.

Fulgent Genetics
Classification: Uncertain significance for Glycogen storage disease, type II. Last evaluated: 2021-09-01. Review status: criteria provided, single submitter. Criteria: ACMG Guidelines, 2015. Collection method: clinical testing. Allele origin: unknown.

Natera, Inc.
Classification: Uncertain significance for Glycogen storage disease type II. Last evaluated: 2021-09-29. Review status: no assertion criteria provided. Collection method: clinical testing. Allele origin: germline. Not counted in ClinVar's aggregate classification.

NM_000152.5(GAA):c.683G>A (p.Gly228Asp)

Gene: GAA (alpha glucosidase; plus strand). Cytogenetic location: 17q25.3.
Variant type: single nucleotide variant.
Coding change: c.683G>A on transcript NM_000152.5 (MANE Select); coding-DNA position 683, G replaced by A.
Protein change: p.Gly228Asp; replaces glycine 228 with aspartic acid.
Molecular consequence: missense variant.
Genome position (GRCh38, 1-based): chr17:80,105,885, G>A. VCF-style: chr17-80105885-G-A. GRCh37 (hg19) VCF-style: chr17-78079684-G-A.
Other names: c.683G>A, p.Gly228Asp (NM_001079803.3, NM_001079804.3); short protein forms G228D.
Identifiers: ClinVar variation 1055449 (VCV001055449.9), dbSNP rs1470881018, ClinGen allele CA401362586.